The following is an entry in ClinVar:

ClinVar aggregate classification (germline): Uncertain significance (1 of 4 stars; one submission).

Allele frequency attached by ClinVar (database versions not stated): gnomAD exomes below 0.00001.
gnomAD v4.1: 1 of 1,170,419 alleles (0.000085%); highest among the groups gnomAD compares: Admixed American, 0.0026%; no homozygotes.

Submission:

Labcorp Genetics (formerly Invitae), Labcorp
Classification: Uncertain significance. Last evaluated: 2023-08-20. Review status: criteria provided, single submitter. Criteria: Invitae Variant Classification Sherloc (09022015). Collection method: clinical testing. Allele origin: germline.
Comment: In summary, the available evidence is currently insufficient to determine the role of this variant in disease. Therefore, it has been classified as a Variant of Uncertain Significance. An algorithm developed to predict the effect of missense changes on protein structure and function (PolyPhen-2) suggests that this variant is likely to be tolerated. This variant has not been reported in the literature in individuals affected with STAG2-related conditions. The frequency data for this variant in the population databases is considered unreliable, as metrics indicate poor data quality at this position in the gnomAD database. This sequence change replaces asparagine, which is neutral and polar, with serine, which is neutral and polar, at codon 842 of the STAG2 protein (p.Asn842Ser).

NM_001042750.2(STAG2):c.2525A>G (p.Asn842Ser)

Gene: STAG2 (STAG2 cohesin complex component; plus strand). Cytogenetic location: Xq25.
Variant type: single nucleotide variant.
Coding change: c.2525A>G on transcript NM_001042750.2 (MANE Select); coding-DNA position 2525, A replaced by G.
Protein change: p.Asn842Ser; replaces asparagine 842 with serine.
Molecular consequence: missense variant.
Genome position (GRCh38, 1-based): chrX:124,071,315, A>G. VCF-style: chrX-124071315-A-G. GRCh37 (hg19) VCF-style: chrX-123205165-A-G.
Other names: c.2525A>G, p.Asn842Ser (NM_001042749.2, NM_001042751.2, NM_001282418.2 and 13 more transcripts); short protein forms N842S.
Identifiers: ClinVar variation 2754205 (VCV002754205.3), dbSNP rs1156815498, ClinGen allele CA414276964.